The following is an entry in ClinVar:

NM_014159.7(SETD2):c.5459T>C (p.Val1820Ala)

Gene: SETD2 (SET domain containing 2, histone lysine methyltransferase; minus strand). Cytogenetic location: 3p21.31.
Variant type: single nucleotide variant.
Coding change: c.5459T>C on transcript NM_014159.7 (MANE Select); coding-DNA position 5459, T replaced by C.
Protein change: p.Val1820Ala; replaces valine 1820 with alanine.
Molecular consequence: missense variant. On other transcripts: non-coding transcript variant (1).
Genome position (GRCh38, 1-based): chr3:47,084,321, A>G on the plus strand (T>C on the coding strand, the complement: SETD2 is on the minus strand). VCF-style: chr3-47084321-A-G. GRCh37 (hg19) VCF-style: chr3-47125811-A-G.
Other names: c.5327T>C, p.Val1776Ala (NM_001349370.3); short protein forms V1776A, V1820A.
Identifiers: ClinVar variation 3343730 (VCV003343730.1).

ClinVar aggregate classification (germline): Uncertain significance (1 of 4 stars; one submission).

Submission:

GeneDx
Classification: Uncertain significance. Last evaluated: 2023-05-23. Review status: criteria provided, single submitter. Criteria: GeneDx Variant Classification Process June 2021. Collection method: clinical testing. Allele origin: germline. Affected: yes.
Comment: Not observed at significant frequency in large population cohorts (gnomAD); In silico analysis supports that this missense variant has a deleterious effect on protein structure/function; Has not been previously published as pathogenic or benign to our knowledge